The following is an entry in ClinVar:

ClinVar aggregate classification (germline): Uncertain significance. Review status: criteria provided, multiple submitters, no conflicts (2 of 4 stars). 3 submissions from 3 submitters: Uncertain significance (3). Last evaluated 2026-01-27.

Conditions:
Fanconi anemia complementation group L (FANCL). Also called: FANCL-Related Fanconi Anemia. Identifiers: Orphanet 84, MedGen C3469528, MONDO:0013566, OMIM 614083.
Fanconi anemia (FA). Also called: Fanconi's anemia. Identifiers: Orphanet 84, MedGen C0015625, MeSH D005199, MONDO:0019391.

Allele frequency attached by ClinVar (database versions not stated): ExAC 0.00001; gnomAD 0.00001; TOPMed 0.00001; gnomAD exomes 0.00004; ESP Exome Variant Server 0.00015.
gnomAD v4.1: 58 of 1,613,048 alleles (0.0036%); highest among the groups gnomAD compares: Non-Finnish European, 0.0047%; no homozygotes.

Submissions (3):

Labcorp Genetics (formerly Invitae), Labcorp
Classification: Uncertain significance for Fanconi anemia. Last evaluated: 2026-01-27. Review status: criteria provided, single submitter. Criteria: Invitae Variant Classification Sherloc (09022015). Collection method: clinical testing. Allele origin: germline.
Comment: This sequence change replaces serine, which is neutral and polar, with isoleucine, which is neutral and non-polar, at codon 134 of the FANCL protein (p.Ser134Ile). This variant is present in population databases (rs377429618, gnomAD 0.002%). This variant has not been reported in the literature in individuals affected with FANCL-related conditions. ClinVar contains an entry for this variant (Variation ID: 945282). Invitae Evidence Modeling of protein sequence and biophysical properties (such as structural, functional, and spatial information, amino acid conservation, physicochemical variation, residue mobility, and thermodynamic stability) has been performed for this missense variant. However, the output from this modeling did not meet the statistical confidence thresholds required to predict the impact of this variant on FANCL protein function. In summary, the available evidence is currently insufficient to determine the role of this variant in disease. Therefore, it has been classified as a Variant of Uncertain Significance.

Fulgent Genetics
Classification: Uncertain significance for Fanconi anemia complementation group L. Last evaluated: 2024-05-22. Review status: criteria provided, single submitter. Criteria: ACMG Guidelines, 2015. Collection method: clinical testing. Allele origin: germline.

Baylor Genetics
Classification: Uncertain significance for Fanconi anemia complementation group L. Last evaluated: 2021-02-11. Review status: criteria provided, single submitter. Criteria: ACMG Guidelines, 2015. Collection method: clinical testing. Allele origin: unknown.

NM_018062.4(FANCL):c.401G>T (p.Ser134Ile)

Gene: FANCL (FA complementation group L; minus strand). Cytogenetic location: 2p16.1.
Variant type: single nucleotide variant.
Coding change: c.401G>T on transcript NM_018062.4 (MANE Select); coding-DNA position 401, G replaced by T.
Protein change: p.Ser134Ile; replaces serine 134 with isoleucine.
Molecular consequence: missense variant.
Genome position (GRCh38, 1-based): chr2:58,204,200, C>A on the plus strand (G>T on the coding strand, the complement: FANCL is on the minus strand). VCF-style: chr2-58204200-C-A. GRCh37 (hg19) VCF-style: chr2-58431335-C-A.
Other names: c.401G>T, p.Ser134Ile (NM_001114636.2, NM_001374615.1, NM_001410792.1); short protein forms S134I.
Identifiers: ClinVar variation 945282 (VCV000945282.11), dbSNP rs377429618, ClinGen allele CA1670636.
Genomic context (GRCh38, chr2:58,204,200, plus strand): 5'-AACTTGAGAGTGATTAAATGCTCTCTACCAGAAGCATCTTCTGCTTTTAACTTGATGGTA[C>A]TGAAGCAGGTATCCGCATACACAAGTCTGGTGAGCAGAGGAGAATAAAAAATGATCACAC-3'
Protein context (NP_060532.2, residues 124-144): DKLVYADTCF[Ser134Ile]TIKLKAEDAS